The following is an entry in ClinVar:

ClinVar aggregate classification (germline): Uncertain significance (1 of 4 stars; one submission).

Submission:

GeneDx
Classification: Uncertain significance. Last evaluated: 2023-06-08. Review status: criteria provided, single submitter. Criteria: GeneDx Variant Classification Process June 2021. Collection method: clinical testing. Allele origin: germline. Affected: yes.
Comment: Not observed at significant frequency in large population cohorts (gnomAD); In silico analysis supports that this missense variant has a deleterious effect on protein structure/function; Has not been previously published as pathogenic or benign to our knowledge

NM_170606.3(KMT2C):c.3726G>A (p.Met1242Ile)

Gene: KMT2C (lysine methyltransferase 2C; minus strand). Cytogenetic location: 7q36.1.
Variant type: single nucleotide variant.
Coding change: c.3726G>A on transcript NM_170606.3 (MANE Select); coding-DNA position 3726, G replaced by A.
Protein change: p.Met1242Ile; replaces methionine 1242 with isoleucine.
Molecular consequence: missense variant.
Genome position (GRCh38, 1-based): chr7:152,207,415, C>T on the plus strand (G>A on the coding strand, the complement: KMT2C is on the minus strand). VCF-style: chr7-152207415-C-T. GRCh37 (hg19) VCF-style: chr7-151904500-C-T.
Other names: short protein forms M1242I.
Identifiers: ClinVar variation 3359503 (VCV003359503.1).